The following is an entry in ClinVar:

NM_001792.5(CDH2):c.442A>C (p.Ser148Arg)

Gene: CDH2 (cadherin 2; minus strand). Cytogenetic location: 18q12.1.
Variant type: single nucleotide variant.
Coding change: c.442A>C on transcript NM_001792.5 (MANE Select); coding-DNA position 442, A replaced by C.
Protein change: p.Ser148Arg; replaces serine 148 with arginine.
Molecular consequence: missense variant.
Genome position (GRCh38, 1-based): chr18:28,011,950, T>G on the plus strand (A>C on the coding strand, the complement: CDH2 is on the minus strand). VCF-style: chr18-28011950-T-G. GRCh37 (hg19) VCF-style: chr18-25591914-T-G.
Other names: c.349A>C, p.Ser117Arg (NM_001308176.2); short protein forms S148R, S117R.
Identifiers: ClinVar variation 1376682 (VCV001376682.6), dbSNP rs2144034351, ClinGen allele CA402243973.

ClinVar aggregate classification (germline): Uncertain significance (1 of 4 stars; one submission).

Submission:

Labcorp Genetics (formerly Invitae), Labcorp
Classification: Uncertain significance. Last evaluated: 2021-08-21. Review status: criteria provided, single submitter. Criteria: Invitae Variant Classification Sherloc (09022015). Collection method: clinical testing. Allele origin: germline.
Comment: This sequence change replaces serine with arginine at codon 148 of the CDH2 protein (p.Ser148Arg). The serine residue is weakly conserved and there is a moderate physicochemical difference between serine and arginine. This variant is not present in population databases (ExAC no frequency). This variant has not been reported in the literature in individuals affected with CDH2-related conditions. Algorithms developed to predict the effect of missense changes on protein structure and function (SIFT, PolyPhen-2, Align-GVGD) all suggest that this variant is likely to be tolerated. In summary, the available evidence is currently insufficient to determine the role of this variant in disease. Therefore, it has been classified as a Variant of Uncertain Significance.